The following is an entry in ClinVar:

ClinVar aggregate classification (germline): Pathogenic (1 of 4 stars; one submission).

Submission:

Labcorp Genetics (formerly Invitae), Labcorp
Classification: Pathogenic. Last evaluated: 2023-11-21. Review status: criteria provided, single submitter. Criteria: Invitae Variant Classification Sherloc (09022015). Collection method: clinical testing. Allele origin: germline.
Comment: This sequence change creates a premature translational stop signal (p.Gln1816*) in the MYO7A gene. It is expected to result in an absent or disrupted protein product. Loss-of-function variants in MYO7A are known to be pathogenic (PMID: 8900236, 25404053). This variant is not present in population databases (gnomAD no frequency). This variant has not been reported in the literature in individuals affected with MYO7A-related conditions. For these reasons, this variant has been classified as Pathogenic.

Literature cited by the submitters: PubMed 8900236; PubMed 25404053.

NM_000260.4(MYO7A):c.5446C>T (p.Gln1816Ter)

Gene: MYO7A (myosin VIIA; plus strand). Cytogenetic location: 11q13.5.
Variant type: single nucleotide variant.
Coding change: c.5446C>T on transcript NM_000260.4 (MANE Select); coding-DNA position 5446, C replaced by T.
Protein change: p.Gln1816Ter; replaces glutamine 1816 with a stop codon.
Molecular consequence: nonsense.
Genome position (GRCh38, 1-based): chr11:77,204,195, C>T. VCF-style: chr11-77204195-C-T. GRCh37 (hg19) VCF-style: chr11-76915240-C-T.
Other names: c.5332C>T, p.Gln1778Ter (NM_001127180.2); c.5299C>T, p.Gln1767Ter (NM_001369365.1); short protein forms Q1767*, Q1778*, Q1816*.
Identifiers: ClinVar variation 2816339 (VCV002816339.3), dbSNP rs1373951958, ClinGen allele CA381952744.
Genomic context (GRCh38, chr11:77,204,195, plus strand): 5'-ACCGACCAGATCTTTGAGGGTCCCCTGAAAGCCGAGCCCCTGAAGGACGAGGCATATGTG[C>T]AGATCCTGAAGCAGCTGACCGACAACCACATCAGGTGAGCCAGGCACAGTGGGCGGATGA-3'